The following is an entry in ClinVar:

NM_003477.2(PDHX):c.-390G>A

Genes: APIP (APAF1 interacting protein; minus strand), PDHX (pyruvate dehydrogenase complex component X; plus strand), LOC130005547 (ATAC-STARR-seq lymphoblastoid silent region 3253; plus strand). Cytogenetic location: 11p13.
Variant type: single nucleotide variant.
Coding change: c.-390G>A on transcript NM_003477.2; 390 bases upstream of the start codon, G replaced by A.
Molecular consequence: missense variant (on NM_015957.4).
Genome position (GRCh38, 1-based): chr11:34,916,266, G>A. VCF-style: chr11-34916266-G-A. GRCh37 (hg19) VCF-style: chr11-34937813-G-A.
Other names: c.19C>T, p.Arg7Trp (NM_015957.4); short protein forms R7W.
Identifiers: ClinVar variation 304445 (VCV000304445.9), dbSNP rs2956114, ClinGen allele CA5945621.
Genomic context (GRCh38, chr11:34,916,266, plus strand): 5'-GCACCGGTGGCCCCGCCCCTACCTGCGCGCCGCATCTCCGGGAACAACAGTCTCCCTCCC[G>A]AGCATCACAGCCAGACATGGCCCAGACCAGGGACCCGCGCGGCCTCCAATCTCCGCACGG-3'

ClinVar aggregate classification (germline): Benign. Review status: criteria provided, multiple submitters, no conflicts (2 of 4 stars). 3 submissions from 3 submitters: Benign (3). Last evaluated 2018-06-23.

Conditions:
Pyruvate dehydrogenase E3-binding protein deficiency (PDHXD). Also called: E3-Binding Protein (Component X) Deficiency; LACTIC ACIDEMIA DUE TO DEFECT IN LIPOYL-CONTAINING COMPONENT X OF THE PYRUVATE DEHYDROGENASE COMPLEX; Lacticacidemia due to PDX1 deficiency; PYRUVATE HYDROGENASE E3-BINDING PROTEIN DEFICIENCY. Identifiers: Orphanet 255182, MedGen C1855553, MONDO:0009503, OMIM 245349.

Allele frequency attached by ClinVar (database versions not stated): gnomAD 0.34353 and 0.35435; 1000 Genomes Project 30x 0.42270; gnomAD exomes 0.36438 and 0.40550; ESP Exome Variant Server 0.31670; ExAC 0.42167; TOPMed 0.34620; 1000 Genomes Project 0.43470.
gnomAD v4.1: 586,399 of 1,611,870 alleles (36%); highest among the groups gnomAD compares: East Asian, 73%; 111,880 homozygotes.

Submissions (3):

GeneDx
Classification: Benign. Last evaluated: 2018-06-23. Review status: criteria provided, single submitter. Criteria: GeneDx Variant Classification Process June 2021. Collection method: clinical testing. Allele origin: germline. Affected: yes.

Illumina Laboratory Services, Illumina
Classification: Benign for Pyruvate dehydrogenase E3-binding protein deficiency. Last evaluated: 2018-01-13. Review status: criteria provided, single submitter. Criteria: ICSL Variant Classification Criteria 13 December 2019. Collection method: clinical testing. Allele origin: germline.
Comment: This variant was observed in the ICSL laboratory as part of a predisposition screen in an ostensibly healthy population. It had not been previously curated by ICSL or reported in the Human Gene Mutation Database (HGMD: prior to June 1st, 2018), and was therefore a candidate for classification through an automated scoring system. Utilizing variant allele frequency, disease prevalence and penetrance estimates, and inheritance mode, an automated score was calculated to assess if this variant is too frequent to cause the disease. Based on the score and internal cut-off values, a variant classified as benign is not then subjected to further curation. The score for this variant resulted in a classification of benign for this disease.

Breakthrough Genomics
Classification: Benign. Review status: criteria provided, single submitter. Criteria: ACMG Guidelines, 2015. Collection method: not provided. Allele origin: germline. Inheritance: Unknown mechanism. Affected: yes.